The following is an entry in ClinVar:

ClinVar aggregate classification (germline): Pathogenic. Review status: reviewed by expert panel (3 of 4 stars). 13 submissions from 13 submitters: Pathogenic (1). 12 of the submissions do not count toward it. Last evaluated 2022-04-15.

Conditions:
Type 2 diabetes mellitus. Also called: Type II diabetes mellitus. Identifiers: MedGen C0011860, MeSH D003924, MONDO:0005148, OMIM 125853, HP:0005978.
Type 1 diabetes mellitus 20 (T1D20). Also called: Diabetes mellitus, insulin-dependent, 20. Identifiers: MedGen C2675866, MONDO:0012919, OMIM 612520.
Maturity-onset diabetes of the young type 3. Also called: MODY type 3; MODY, type III. Identifiers: Orphanet 552, MedGen C1838100, MeSH C563933, MONDO:0010894, OMIM 600496. Disease mechanism: loss of function.
HNF1A-related disorders.
HNF1A-related disorder. Also called: HNF1A-related condition.
Monogenic diabetes. Identifiers: Orphanet 183625, MedGen C3888631, MONDO:0015967.
Diabetes mellitus. Also called: Diabetes mellitus (disease). Identifiers: MedGen C0011849, MONDO:0005015, HP:0000819.
Maturity-onset diabetes of the young (MODY). Also called: Maturity onset diabetes mellitus in young. Identifiers: Orphanet 552, MedGen C0342276, MONDO:0018911, HP:0004904.

Allele frequency attached by ClinVar (database versions not stated): gnomAD exomes 0.00001 and below 0.00001; ExAC 0.00001.
gnomAD v4.1: 5 of 1,613,550 alleles (0.00031%); highest among the groups gnomAD compares: East Asian, 0.0022%; no homozygotes.

Submissions 1 to 5 of 13:

ClinGen Monogenic Diabetes Variant Curation Expert Panel
Classification: Pathogenic for Monogenic diabetes. Last evaluated: 2022-04-15. Review status: reviewed by expert panel. Criteria: ClinGen Diabetes ACMG Specifications v1 1. Collection method: curation. Allele origin: germline. Inheritance: Autosomal dominant inheritance.
Comment: The c.812G>A variant in the HNF1 homeobox A gene, HNF1A, causes an amino acid change of arginine to glutamine at codon 271 (p.(Arg271Gln) of NM_000545.8. This variant was identified in 19 unrelated individuals with non- autoimmune and non-absolute/near-absolute insulin-deficient diabetes (PS4; internal lab contributors). Additionally, this variant segregated with diabetes, with four informative meioses in two families with MODY (PP1_Strong; internal lab contributors). This variant resides in an amino acid within the HNF1α DNA binding domain that directly binds DNA, which is defined as critical for the protein’s function by the ClinGen MDEP (PM1). This variant is predicted to be deleterious by computational evidence, with a REVEL score of 0.945, which is greater than the MDEP VCEP threshold of 0.70 (PP3) and is absent from gnomAD v2.1.1 (PM2_Supporting). Functional studies demonstrated the p.Arg271Gln protein has DNA binding 110% of wild type and transactivation 50-60% of wildtype; however, this is between the ClinGen MDEP cutoffs for PS3 and BS3 (PMID: 26853433). The p.Arg271Trp and p.Arg271Gly variants have been interpreted as pathogenic and likely pathogenic, respectively, by the MDEP. Arg271Gln has a lower Grantham distance than both and was used as the base variant to apply PM5, and therefore, PM5 will not be applied to Arg271Gln. In summary, c.814C>A meets the criteria to be classified as pathogenic for monogenic diabetes. ACMG/AMP criteria applied, as specified by the ClinGen MDEP (specification version 1.1, approved 9/30/2021): PS4, PP1_Strong, PM1, PP3, PM2_Supporting, PP4_Moderate.

Labcorp Genetics (formerly Invitae), Labcorp
Classification: Pathogenic. Last evaluated: 2025-06-06. Review status: criteria provided, single submitter. Criteria: Invitae Variant Classification Sherloc (09022015). Collection method: clinical testing. Allele origin: germline. Not counted in ClinVar's aggregate classification.
Comment: This sequence change replaces arginine, which is basic and polar, with glutamine, which is neutral and polar, at codon 271 of the HNF1A protein (p.Arg271Gln). This variant is present in population databases (rs779184183, gnomAD 0.006%). This missense change has been observed in individuals with clinical features of maturity onset diabetes of the young (PMID: 2975864, 17937063, 26853433). ClinVar contains an entry for this variant (Variation ID: 449403). Invitae Evidence Modeling of protein sequence and biophysical properties (such as structural, functional, and spatial information, amino acid conservation, physicochemical variation, residue mobility, and thermodynamic stability) has been performed for this missense variant. However, the output from this modeling did not meet the statistical confidence thresholds required to predict the impact of this variant on HNF1A protein function. Experimental studies have shown that this missense change affects HNF1A function (PMID: 26853433). This variant disrupts the p.Arg271 amino acid residue in HNF1A. Other variant(s) that disrupt this residue have been determined to be pathogenic (PMID: 9754819, 12488961, 12574234, 15928245, 16249556, 21170474). This suggests that this residue is clinically significant, and that variants that disrupt this residue are likely to be disease-causing. For these reasons, this variant has been classified as Pathogenic.

ARUP Laboratories, Molecular Genetics and Genomics, ARUP Laboratories
Classification: Pathogenic. Last evaluated: 2025-04-07. Review status: criteria provided, single submitter. Criteria: ARUP Molecular Germline Variant Investigation Process 2024. Collection method: clinical testing. Allele origin: germline. Not counted in ClinVar's aggregate classification.
Comment: The HNF1A c.812G>A; p.Arg271Gln variant (rs779184183, ClinVar Variation ID: 449403) is reported in the literature in individuals and families affected with or suspected of maturity-onset diabetes of the young (MODY; Balamurugan 2016, Bitterman 2016, Breidbart 2021, Goodrich 2021, Marchand 2021, Mirshahi 2022, Tonooka 2002). This variant is only observed on two alleles in the Genome Aggregation Database (v2.1.1), indicating it is not a common polymorphism. Additionally, other variants at this codon (c.811C>G; p,Arg271Gly; c.811C>T; p.Arg271Trp) have been reported in individuals with MODY and are considered disease causing (Chevre 1998, Verma 2022). In vitro functional analyses demonstrate a 50-60% reduction in transcriptional activity, increase DNA binding and abnormal nuclear localization (Balamurugan 2016). Computational analyses predict that this variant is deleterious (REVEL: 0.945). Based on available information, this variant is considered to be pathogenic. References: Balamurugan K et al. Structure-function studies of HNF1A (MODY3) gene mutations in South Indian patients with monogenic diabetes. Clin Genet. 2016 Dec;90(6):486-495. PMID: 26853433. Bitterman O et al. A dizygotic twin pregnancy in a MODY 3-affected woman. Acta Diabetol. 2016 Oct;53(5):849-52. PMID: 26997508. Breidbart E et al. Frequency and characterization of mutations in genes in a large cohort of patients referred to MODY registry. J Pediatr Endocrinol Metab. 2021 Apr 13;34(5):633-638. PMID: 33852230. Chevre JC et al. Mutation screening in 18 Caucasian families suggest the existence of other MODY genes. Diabetologia. 1998 Sep;41(9):1017-23. PMID: 9754819. Goodrich JK et al. Determinants of penetrance and variable expressivity in monogenic metabolic conditions across 77,184 exomes. Nat Commun. 2021 Jun 9;12(1):3505. PMID: 34108472. Marchand L et al. Monogenic Causes in the Type 1 Diabetes Genetics Consortium Cohort: Low Genetic Risk for Autoimmunity in Case Selection. J Clin Endocrinol Metab. 2021 May 13;106(6):1804-1810. PMID: 33538814. Mirshahi UL et al. Reduced penetrance of MODY-associated HNF1A/HNF4A variants but not GCK variants in clinically unselected cohorts. Am J Hum Genet. 2022 Nov 3;109(11):2018-2028. PMID: 36257325. Tonooka N et al. High frequency of mutations in the HNF-1alpha gene in non-obese patients with diabetes of youth in Japanese and identification of a case of digenic inheritance. Diabetologia. 2002 Dec;45(12):1709-12. PMID: 12488961. Verma M et al. Identification of a novel hepatocyte nuclear factor-1 alpha (HNF1A) variant in maturity onset diabetes of the young type 3 (HNF1A-MODY). Endocrinol Diabetes Metab Case Rep. 2022 Apr 1;2022:21-0118. PMID: 35466084.

PreventionGenetics, part of Exact Sciences
Classification: Pathogenic for HNF1A-related condition. Last evaluated: 2024-12-30. Review status: criteria provided, single submitter. Criteria: ACMG Guidelines, 2015. Collection method: clinical testing. Allele origin: germline. Not counted in ClinVar's aggregate classification.
Comment: The HNF1A c.812G>A variant is predicted to result in the amino acid substitution p.Arg271Gln. This variant has been reported in multiple individuals with maturity-onset diabetes of the young (MODY) (see for examples, Stern et al. 2007. PubMed ID: 17937063; Radha et al. 2009. PubMed ID: 19336507; Supplemental Data, Mirshahi et al. 2022. PubMed ID: 36257325). This variant is reported in 0.0055% of alleles in individuals of East Asian descent in gnomAD. An in vitro experimental study suggests this variant affects protein function (Balamurugan et al. 2016. PubMed ID: 26853433). Alternate missense substitutions affecting the same amino acid (p.Arg271Gly and p.Arg271Trp) have been reported in individuals with MODY (Tonooka et al. 2002. PubMed ID: 12488961). This variant is interpreted as pathogenic by the ClinGen Monogenic Diabetes Variant Curation Expert Panel in ClinVar. Given the evidence, the c.812G>A (p.Arg271Gln) variant is interpreted as pathogenic.

GeneDx
Classification: Pathogenic. Last evaluated: 2024-11-26. Review status: criteria provided, single submitter. Criteria: GeneDx Variant Classification Process June 2021. Collection method: clinical testing. Allele origin: germline. Affected: yes. Not counted in ClinVar's aggregate classification.
Comment: Published functional studies demonstrate a damaging effect (PMID: 26853433); In silico analysis supports that this missense variant has a deleterious effect on protein structure/function; This variant is associated with the following publications: (PMID: 17937063, 33852230, 12488961, 26997508, 29207974, 33538814, 34108472, 36208030, 36257325, 26853433, 9754819, 16274290)

NM_000545.8(HNF1A):c.812G>A (p.Arg271Gln)

Gene: HNF1A (HNF1 homeobox A; plus strand). Cytogenetic location: 12q24.31.
Variant type: single nucleotide variant.
Coding change: c.812G>A on transcript NM_000545.8 (MANE Select); coding-DNA position 812, G replaced by A.
Protein change: p.Arg271Gln; replaces arginine 271 with glutamine.
Molecular consequence: missense variant.
Genome position (GRCh38, 1-based): chr12:120,994,262, G>A. VCF-style: chr12-120994262-G-A. GRCh37 (hg19) VCF-style: chr12-121432065-G-A.
Other names: NM_000545.6(HNF1A):c.812G>A; p.Arg271Gln; c.812G>A, p.Arg271Gln (NM_001306179.2); short protein forms R271Q.
Identifiers: ClinVar variation 449403 (VCV000449403.26), dbSNP rs779184183, ClinGen allele CA6831835.